The following is an entry in ClinVar:

ClinVar aggregate classification (germline): Uncertain significance (1 of 4 stars; one submission).

Submission:

Labcorp Genetics (formerly Invitae), Labcorp
Classification: Uncertain significance. Last evaluated: 2022-10-13. Review status: criteria provided, single submitter. Criteria: Invitae Variant Classification Sherloc (09022015). Collection method: clinical testing. Allele origin: germline.
Comment: In summary, the available evidence is currently insufficient to determine the role of this variant in disease. Therefore, it has been classified as a Variant of Uncertain Significance. Advanced modeling of protein sequence and biophysical properties (such as structural, functional, and spatial information, amino acid conservation, physicochemical variation, residue mobility, and thermodynamic stability) performed at Invitae indicates that this missense variant is not expected to disrupt NBAS protein function. This variant has not been reported in the literature in individuals affected with NBAS-related conditions. This variant is not present in population databases (gnomAD no frequency). This sequence change replaces histidine, which is basic and polar, with glutamine, which is neutral and polar, at codon 2175 of the NBAS protein (p.His2175Gln).

NM_015909.4(NBAS):c.6525C>G (p.His2175Gln)

Gene: NBAS (NBAS subunit of NRZ tethering complex; minus strand). Cytogenetic location: 2p24.3.
Variant type: single nucleotide variant.
Coding change: c.6525C>G on transcript NM_015909.4 (MANE Select); coding-DNA position 6525, C replaced by G.
Protein change: p.His2175Gln; replaces histidine 2175 with glutamine.
Molecular consequence: missense variant. On other transcripts: non-coding transcript variant (1).
Genome position (GRCh38, 1-based): chr2:15,190,311, G>C on the plus strand (C>G on the coding strand, the complement: NBAS is on the minus strand). VCF-style: chr2-15190311-G-C. GRCh37 (hg19) VCF-style: chr2-15330435-G-C.
Other names: short protein forms H2175Q.
Identifiers: ClinVar variation 2092806 (VCV002092806.4), dbSNP rs1281248598, ClinGen allele CA345920050.
Genomic context (GRCh38, chr2:15,190,311, plus strand): 5'-TGTTAATACTTACACATATTCACTTTTCATAGGTGGCCAAGCTTGCAAAAGTAAAACCAA[G>C]TGCTGAAATTCAGCCTCGTGGTGACTAGATTCCAGGAGTTCCATGAATAGACAGTAGCGG-3'
Protein context (NP_056993.2, residues 2165-2185): ESSHHEAEFQ[His2175Gln]LVLLLQAWPP